The following is an entry in ClinVar:

NM_002408.4(MGAT2):c.636T>C (p.Asn212=)

Gene: MGAT2 (alpha-1,6-mannosyl-glycoprotein 2-beta-N-acetylglucosaminyltransferase; plus strand). Cytogenetic location: 14q21.3.
Variant type: single nucleotide variant.
Coding change: c.636T>C on transcript NM_002408.4 (MANE Select); coding-DNA position 636, T replaced by C.
Protein change: p.Asn212=; no amino-acid change (asparagine 212 retained).
Molecular consequence: synonymous variant.
Genome position (GRCh38, 1-based): chr14:49,621,904, T>C. VCF-style: chr14-49621904-T-C. GRCh37 (hg19) VCF-style: chr14-50088622-T-C.
Identifiers: ClinVar variation 736435 (VCV000736435.9), dbSNP rs781766964, ClinGen allele CA7172585.
Genomic context (GRCh38, chr14:49,621,904, plus strand): 5'-CCCTAGAGATTGTCCCAGAGACCTGCCGAAGAATGCCGCTTTGAAATTGGGGTGCATCAA[T>C]GCTGAGTATCCCGACTCCTTCGGCCATTATAGAGAGGCCAAATTCTCCCAGACCAAACAT-3'
Protein context (NP_002399.1, residues 202-222): KNAALKLGCI[Asn212=]AEYPDSFGHY

ClinVar aggregate classification (germline): Likely benign. Review status: criteria provided, multiple submitters, no conflicts (2 of 4 stars). 3 submissions from 3 submitters: Likely benign (2). 1 of the submissions does not count toward it. Last evaluated 2025-07-22.

Conditions:
MGAT2-congenital disorder of glycosylation. Also called: MGAT2-CDG; Congenital disorder of glycosylation, type IIa; CDG IIa; MENTAL RETARDATION, GROWTH RETARDATION, PROMINENT COLUMELLA, AND OPEN MOUTH; Alkuraya syndrome. Identifiers: Orphanet 79329, MedGen C2931008, MONDO:0008908, OMIM 212066.
MGAT2-related disorder. Also called: MGAT2-related condition.

Allele frequency attached by ClinVar (database versions not stated): gnomAD 0.00003 and 0.00004; TOPMed 0.00005; gnomAD exomes 0.00006; ExAC 0.00007.
gnomAD v4.1: 95 of 1,614,096 alleles (0.0059%); highest among the groups gnomAD compares: Admixed American, 0.0083%; no homozygotes.

Submissions (3):

Women's Health and Genetics/Laboratory Corporation of America, LabCorp
Classification: Likely benign. Last evaluated: 2025-07-22. Review status: criteria provided, single submitter. Criteria: LabCorp Variant Classification Summary - May 2015. Collection method: clinical testing. Allele origin: germline.

Labcorp Genetics (formerly Invitae), Labcorp
Classification: Likely benign for MGAT2-congenital disorder of glycosylation. Last evaluated: 2023-04-30. Review status: criteria provided, single submitter. Criteria: Invitae Variant Classification Sherloc (09022015). Collection method: clinical testing. Allele origin: germline.

PreventionGenetics, part of Exact Sciences
Classification: Likely benign for MGAT2-related condition. Last evaluated: 2019-07-11. Review status: no assertion criteria provided. Collection method: clinical testing. Allele origin: germline. Not counted in ClinVar's aggregate classification.
Comment: This variant is classified as likely benign based on ACMG/AMP sequence variant interpretation guidelines (Richards et al. 2015 PMID: 25741868, with internal and published modifications).